The following is an entry in ClinVar:

ClinVar aggregate classification (germline): Uncertain significance (1 of 4 stars; one submission).

Conditions:
Cohen syndrome (COH1). Also called: PEPPER SYNDROME; Cutis verticis gyrata, retinitis pigmentosa, and sensorineural deafness. Identifiers: Orphanet 193, MedGen C0265223, MONDO:0008999, OMIM 216550.

Allele frequency attached by ClinVar (database versions not stated): gnomAD exomes below 0.00001; TOPMed below 0.00001.
gnomAD v4.1: 1 of 1,614,058 alleles (0.000062%); highest among the groups gnomAD compares: South Asian, 0.0011%; no homozygotes.

Submission:

Labcorp Genetics (formerly Invitae), Labcorp
Classification: Uncertain significance for Cohen syndrome. Last evaluated: 2022-10-17. Review status: criteria provided, single submitter. Criteria: Invitae Variant Classification Sherloc (09022015). Collection method: clinical testing. Allele origin: germline.
Comment: This sequence change replaces glycine, which is neutral and non-polar, with glutamic acid, which is acidic and polar, at codon 1320 of the VPS13B protein (p.Gly1320Glu). This variant is present in population databases (no rsID available, gnomAD 0.003%). This variant has not been reported in the literature in individuals affected with VPS13B-related conditions. Advanced modeling of protein sequence and biophysical properties (such as structural, functional, and spatial information, amino acid conservation, physicochemical variation, residue mobility, and thermodynamic stability) performed at Invitae indicates that this missense variant is expected to disrupt VPS13B protein function. In summary, the available evidence is currently insufficient to determine the role of this variant in disease. Therefore, it has been classified as a Variant of Uncertain Significance.

NM_152564.5(VPS13B):c.3959G>A (p.Gly1320Glu)

Gene: VPS13B (vacuolar protein sorting 13 homolog B; plus strand). Cytogenetic location: 8q22.2.
Variant type: single nucleotide variant.
Coding change: c.3959G>A on transcript NM_152564.5 (MANE Select); coding-DNA position 3959, G replaced by A.
Protein change: p.Gly1320Glu; replaces glycine 1320 with glutamic acid.
Molecular consequence: missense variant.
Genome position (GRCh38, 1-based): chr8:99,501,775, G>A. VCF-style: chr8-99501775-G-A. GRCh37 (hg19) VCF-style: chr8-100514003-G-A.
Other names: c.3959G>A, p.Gly1320Glu (NM_017890.5); short protein forms G1320E.
Identifiers: ClinVar variation 2010225 (VCV002010225.1), dbSNP rs1391895416, ClinGen allele CA371869526.